The following is an entry in ClinVar:

ClinVar aggregate classification (germline): Uncertain significance. Review status: criteria provided, multiple submitters, no conflicts (2 of 4 stars). 2 submissions from 2 submitters: Uncertain significance (2). Last evaluated 2025-09-05.

Conditions:
Familial cancer of breast. Also called: BREAST CANCER, FAMILIAL; Hereditary breast cancer; hereditary breast carcinoma. Identifiers: Orphanet 227535, MedGen C0346153, MONDO:0016419, OMIM 114480. Disease mechanism: loss of function.
Hereditary cancer-predisposing syndrome. Also called: Tumor predisposition; Hereditary Cancer Syndrome; Neoplastic Syndromes, Hereditary; Hereditary neoplastic syndrome. Identifiers: Orphanet 140162, MedGen C0027672, MeSH D009386, MONDO:0015356.

Submissions (2):

Ambry Genetics
Classification: Uncertain significance for Hereditary cancer-predisposing syndrome. Last evaluated: 2025-09-05. Review status: criteria provided, single submitter. Criteria: Ambry Variant Classification Scheme 2023. Collection method: clinical testing. Allele origin: germline.
Comment: The p.Q100R variant (also known as c.299A>G), located in coding exon 1 of the CHEK2 gene, results from an A to G substitution at nucleotide position 299. The glutamine at codon 100 is replaced by arginine, an amino acid with highly similar properties. This amino acid position is well conserved in available vertebrate species. In addition, the in silico prediction for this alteration is inconclusive. Based on the available evidence, the clinical significance of this variant remains unclear.

Labcorp Genetics (formerly Invitae), Labcorp
Classification: Uncertain significance for Familial cancer of breast. Last evaluated: 2023-07-07. Review status: criteria provided, single submitter. Criteria: Invitae Variant Classification Sherloc (09022015). Collection method: clinical testing. Allele origin: germline.
Comment: This sequence change replaces glutamine, which is neutral and polar, with arginine, which is basic and polar, at codon 100 of the CHEK2 protein (p.Gln100Arg). This variant is not present in population databases (gnomAD no frequency). This variant has not been reported in the literature in individuals affected with CHEK2-related conditions. ClinVar contains an entry for this variant (Variation ID: 822482). An algorithm developed to predict the effect of missense changes on protein structure and function (PolyPhen-2) suggests that this variant is likely to be tolerated. In summary, the available evidence is currently insufficient to determine the role of this variant in disease. Therefore, it has been classified as a Variant of Uncertain Significance.

NM_007194.4(CHEK2):c.299A>G (p.Gln100Arg)

Gene: CHEK2 (checkpoint kinase 2; minus strand). Cytogenetic location: 22q12.1.
Variant type: single nucleotide variant.
Coding change: c.299A>G on transcript NM_007194.4 (MANE Select); coding-DNA position 299, A replaced by G.
Protein change: p.Gln100Arg; replaces glutamine 100 with arginine.
Molecular consequence: missense variant.
Genome position (GRCh38, 1-based): chr22:28,734,423, T>C on the plus strand (A>G on the coding strand, the complement: CHEK2 is on the minus strand). VCF-style: chr22-28734423-T-C. GRCh37 (hg19) VCF-style: chr22-29130411-T-C.
Other names: c.299A>G, p.Gln100Arg (NM_001005735.3, NM_001349956.3, NM_145862.3); c.-479A>G (NM_001257387.3); short protein forms Q100R.
Identifiers: ClinVar variation 822482 (VCV000822482.10), dbSNP rs1601851194, ClinGen allele CA411090278.